The following is an entry in ClinVar:

NM_001035.3(RYR2):c.11836G>A (p.Gly3946Ser)

Gene: RYR2 (ryanodine receptor 2; plus strand). Cytogenetic location: 1q43.
Variant type: single nucleotide variant.
Coding change: c.11836G>A on transcript NM_001035.3 (MANE Select); coding-DNA position 11836, G replaced by A.
Protein change: p.Gly3946Ser; replaces glycine 3946 with serine.
Molecular consequence: missense variant.
Genome position (GRCh38, 1-based): chr1:237,778,726, G>A. VCF-style: chr1-237778726-G-A. GRCh37 (hg19) VCF-style: chr1-237942026-G-A.
Other names: p.G3946S:GGC>AGC; c.11836G>A, p.Gly3946Ser (LRG_402t1); short protein forms G3946S.
Identifiers: ClinVar variation 201315 (VCV000201315.18), dbSNP rs794728777, ClinGen allele CA007186.

ClinVar aggregate classification (germline): Pathogenic. Review status: criteria provided, multiple submitters, no conflicts (2 of 4 stars). 6 submissions from 6 submitters: Pathogenic (6). Last evaluated 2025-11-14.

Conditions:
RYR2-related disorder. Also called: RYR2-related condition.
Catecholaminergic polymorphic ventricular tachycardia 1. Also called: VENTRICULAR TACHYCARDIA, CATECHOLAMINERGIC POLYMORPHIC, 1, WITH OR WITHOUT ATRIAL DYSFUNCTION AND/OR DILATED CARDIOMYOPATHY; VENTRICULAR TACHYCARDIA, STRESS-INDUCED POLYMORPHIC 1; RYR2-Related Catecholaminergic Polymorphic Ventricular Tachycardia. Identifiers: Orphanet 3286, MedGen C1631597, MONDO:0011484, OMIM 604772.

Submissions (6):

Dasa
Classification: Pathogenic. Last evaluated: 2025-11-14. Review status: criteria provided, single submitter. Criteria: DASA Assertion Criteria. Collection method: clinical testing. Allele origin: germline.
Comment: NM_001035.3(RYR2):c.11836G>A (p.Gly3946Ser) is a missense variant that results in the substitution of glycine with serine. The affected residue or protein region has prior evidence supporting clinical relevance. De novo occurrence has been reported in an individual with related phenotype. Functional evidence supports a deleterious effect on the gene or gene product (PMID: 26114861; PMID: 23595086; PMID: 12093772; PMID: 31337358; PMID: 21616285). This variant has been recurrently observed in individuals with related phenotype (PMID: 26114861; PMID: 23595086; PMID: 12093772; PMID: 31337358; PMID: 21616285). Multiple computational predictions support a deleterious effect on the gene or gene product. The variant is present at low frequency in population datasets. Based on the available data, this variant is classified as pathogenic.

Labcorp Genetics (formerly Invitae), Labcorp
Classification: Pathogenic for Catecholaminergic polymorphic ventricular tachycardia 1. Last evaluated: 2025-06-24. Review status: criteria provided, single submitter. Criteria: Invitae Variant Classification Sherloc (09022015). Collection method: clinical testing. Allele origin: germline.
Comment: This sequence change replaces glycine, which is neutral and non-polar, with serine, which is neutral and polar, at codon 3946 of the RYR2 protein (p.Gly3946Ser). This variant is not present in population databases (gnomAD no frequency). This missense change has been observed in individual(s) with catecholaminergic polymorphic ventricular tachycardia (CPVT) (PMID: 12093772, 21616285, 23595086, 26114861). In at least one individual the variant was observed to be de novo. ClinVar contains an entry for this variant (Variation ID: 201315). Invitae Evidence Modeling of protein sequence and biophysical properties (such as structural, functional, and spatial information, amino acid conservation, physicochemical variation, residue mobility, and thermodynamic stability) indicates that this missense variant is expected to disrupt RYR2 protein function with a positive predictive value of 95%. For these reasons, this variant has been classified as Pathogenic.

Rady Children's Institute for Genomic Medicine, Rady Children's Hospital San Diego
Classification: Pathogenic for RYR2-related disorders. Last evaluated: 2024-11-25. Review status: criteria provided, single submitter. Criteria: ACMG Guidelines, 2015. Collection method: clinical testing. Allele origin: germline. Affected: yes.
Comment: The c.11836G>A (p.Gly3946Ser) variant affects a highly conserved amino acid and is predicted by multiple in silico tools to have a deleterious effect on protein function. This variant has been previously reported as a de novo heterozygous change in individuals with catecholaminergic polymorphic ventricular tachycardia (CPVT, PMID: 35135837, 31337358, 29434162, 28449774, 26114861, 23595086, 21616285). Functional studies indicate this variant may lead to reduced activation and termination thresholds for store overload-induced Ca2+ release (PMID: 27733687). Different amino acid changes at the same residue, (p.Gly3946Ala) and (p.Gly3946Asp), have been previously reported in individuals with CPVT (PMID: 12093772, 19398665, 27733687). The c.11836G>A (p.Gly3946Ser) variant is absent from the latest version of the gnomAD population database and thus is presumed to be rare. Based on parental analysis, this variant likely occurred as a de novo event. Based on the available evidence, c.11836G>A (p.Gly3946Ser) is classified as Pathogenic.

Clinical Genetics Laboratory, Skane University Hospital Lund
Classification: Pathogenic. Last evaluated: 2023-05-23. Review status: criteria provided, single submitter. Criteria: ACMG Guidelines, 2015. Collection method: clinical testing. Allele origin: germline. Affected: yes.

Blueprint Genetics
Classification: Pathogenic for RYR2-related disorders. Last evaluated: 2022-10-10. Review status: criteria provided, single submitter. Criteria: ACMG Guidelines, 2015. Collection method: clinical testing. Allele origin: germline. Affected: yes. Observed: 1 variant allele.

GeneDx
Classification: Pathogenic. Last evaluated: 2022-05-26. Review status: criteria provided, single submitter. Criteria: GeneDx Variant Classification Process June 2021. Collection method: clinical testing. Allele origin: germline. Affected: yes.
Comment: Reported in multiple unrelated individuals with CPVT (Priori et al., 2002; Mok et al., 2006; Wilde et al., 2008; Hayashi et al., 2009; van der Werf et al., 2011; Kawamura et al., 2013; Yu et al., 2016); Not observed in large population cohorts (gnomAD); Located in one of the three hot-spot regions of the RYR2 gene, where the majority of pathogenic missense variants occur (Medeiros-Domingo et al., 2009); Functional studies in cultured cells suggest that this variant alters the cytosolic Ca2+ activation of the RYR2 channel, which the authors propose leads to cardiac dysfunction (Xiao et al., 2016); In silico analysis supports that this missense variant has a deleterious effect on protein structure/function; This variant is associated with the following publications: (PMID: 25525159, 12093772, 23595086, 19398665, 27256466, 15544013, 24025405, 21616285, 18463378, 17199967, 19926015, 28449774, 28404607, 29434162, 31337358, 27733687, 34127479, 26114861, 33606749, 34760626)

Literature cited by the submitters: PubMed 26114861 (cited by 3 submitters); PubMed 23595086 (cited by 3 submitters); PubMed 12093772 (cited by 3 submitters); PubMed 31337358 (cited by Dasa and Rady Children's Institute for Genomic Medicine, Rady Children's Hospital San Diego); PubMed 21616285 (cited by 3 submitters); PubMed 40875405 (cited by Dasa); PubMed 16272262 (cited by Dasa); PubMed 2611486 (cited by Dasa); PubMed 19926015 (cited by Dasa); PubMed 35135837 (cited by Rady Children's Institute for Genomic Medicine, Rady Children's Hospital San Diego); PubMed 29434162 (cited by Rady Children's Institute for Genomic Medicine, Rady Children's Hospital San Diego); PubMed 28449774 (cited by Rady Children's Institute for Genomic Medicine, Rady Children's Hospital San Diego); PubMed 27733687 (cited by Rady Children's Institute for Genomic Medicine, Rady Children's Hospital San Diego); PubMed 19398665 (cited by Rady Children's Institute for Genomic Medicine, Rady Children's Hospital San Diego).